The following is an entry in ClinVar:

ClinVar aggregate classification (germline): Uncertain significance (1 of 4 stars; one submission).

Submission:

Labcorp Genetics (formerly Invitae), Labcorp
Classification: Uncertain significance. Last evaluated: 2025-12-04. Review status: criteria provided, single submitter. Criteria: Invitae Variant Classification Sherloc (09022015). Collection method: clinical testing. Allele origin: germline.
Comment: This sequence change replaces leucine, which is neutral and non-polar, with glutamine, which is neutral and polar, at codon 160 of the XPO5 protein (p.Leu160Gln). This variant is not present in population databases (gnomAD no frequency). This variant has not been reported in the literature in individuals affected with XPO5-related conditions. An algorithm developed to predict the effect of missense changes on protein structure and function (PolyPhen-2) suggests that this variant is likely to be disruptive. Algorithms developed to predict the effect of sequence changes on RNA splicing suggest that this variant may disrupt the consensus splice site. In summary, the available evidence is currently insufficient to determine the role of this variant in disease. Therefore, it has been classified as a Variant of Uncertain Significance.

NM_020750.3(XPO5):c.479T>A (p.Leu160Gln)

Gene: XPO5 (exportin 5; minus strand). Cytogenetic location: 6p21.1.
Variant type: single nucleotide variant.
Coding change: c.479T>A on transcript NM_020750.3 (MANE Select); coding-DNA position 479, T replaced by A.
Protein change: p.Leu160Gln; replaces leucine 160 with glutamine.
Molecular consequence: missense variant. On other transcripts: non-coding transcript variant (1).
Genome position (GRCh38, 1-based): chr6:43,570,644, A>T on the plus strand (T>A on the coding strand, the complement: XPO5 is on the minus strand). VCF-style: chr6-43570644-A-T. GRCh37 (hg19) VCF-style: chr6-43538381-A-T.
Other names: short protein forms L160Q.
Identifiers: ClinVar variation 4732030 (VCV004732030.1).